The following is an entry in ClinVar:

ClinVar aggregate classification (germline): Uncertain significance (1 of 4 stars; one submission).

Conditions:
Inborn genetic diseases. Identifiers: MedGen C0950123, MeSH D030342.

Allele frequency attached by ClinVar (database versions not stated): gnomAD exomes below 0.00001.
gnomAD v4.1: 2 of 1,614,250 alleles (0.00012%); highest among the groups gnomAD compares: Non-Finnish European, 0.00017%; no homozygotes.

Submission:

Ambry Genetics
Classification: Uncertain significance for Inborn genetic diseases. Last evaluated: 2016-07-13. Review status: criteria provided, single submitter. Criteria: Ambry Variant Classification Scheme 2023. Collection method: clinical testing. Allele origin: germline.
Comment: The p.E1384K variant (also known as c.4150G>A), located in coding exon 25 of the CREBBP gene, results from a G to A substitution at nucleotide position 4150. The glutamic acid at codon 1384 is replaced by lysine, an amino acid with similar properties. This variant was not reported in population based cohorts in the following databases: Database of Single Nucleotide Polymorphisms (dbSNP), NHLBI Exome Sequencing Project (ESP), and 1000 Genomes Project. In the ESP, this variant was not observed in 6497 samples (12994 alleles) with coverage at this position. This amino acid position is highly conserved in available vertebrate species. In addition, this alteration is predicted to be deleterious by in silico analysis. Since supporting evidence is limited at this time, the clinical significance of this alteration remains unclear.

NM_004380.3(CREBBP):c.4150G>A (p.Glu1384Lys)

Gene: CREBBP (CREB binding protein; minus strand). Cytogenetic location: 16p13.3.
Variant type: single nucleotide variant.
Coding change: c.4150G>A on transcript NM_004380.3 (MANE Select); coding-DNA position 4150, G replaced by A.
Protein change: p.Glu1384Lys; replaces glutamic acid 1384 with lysine.
Molecular consequence: missense variant.
Genome position (GRCh38, 1-based): chr16:3,739,708, C>T on the plus strand (G>A on the coding strand, the complement: CREBBP is on the minus strand). VCF-style: chr16-3739708-C-T. GRCh37 (hg19) VCF-style: chr16-3789709-C-T.
Other names: c.4036G>A, p.Glu1346Lys (NM_001079846.1); short protein forms E1384K, E1346K.
Identifiers: ClinVar variation 587977 (VCV000587977.5), dbSNP rs1567272395, ClinGen allele CA394564972.